The following is an entry in ClinVar:

ClinVar aggregate classification (germline): Uncertain significance. Review status: criteria provided, multiple submitters, no conflicts (2 of 4 stars). 3 submissions from 3 submitters: Uncertain significance (3). Last evaluated 2025-08-08.

Conditions:
Hereditary spastic paraplegia 11. Also called: Nakamura Osame syndrome; Autosomal recessive hereditary spastic paraplegia, mental impairment, and thin corpus callosum; Spastic paraplegia, mental retardation and thin corpus callosum; SPASTIC PARAPLEGIA, AUTOSOMAL RECESSIVE, COMPLICATED, WITH THIN CORPUS CALLOSUM; SPASTIC PARAPLEGIA, AUTOSOMAL RECESSIVE, WITH MENTAL IMPAIRMENT AND THIN CORPUS CALLOSUM; Spastic Paraplegia 11. Identifiers: Orphanet 2822, MedGen C1858479, MONDO:0011445, OMIM 604360.
Inborn genetic diseases. Identifiers: MedGen C0950123, MeSH D030342.

Allele frequency attached by ClinVar (database versions not stated): ExAC 0.00002; gnomAD exomes 0.00002; TOPMed 0.00002; gnomAD 0.00003 and 0.00004.
gnomAD v4.1: 90 of 1,613,944 alleles (0.0056%); highest among the groups gnomAD compares: Non-Finnish European, 0.0074%; no homozygotes.

Submissions (3):

Mayo Clinic Laboratories, Mayo Clinic
Classification: Uncertain significance. Last evaluated: 2025-08-08. Review status: criteria provided, single submitter. Criteria: ACMG Guidelines, 2015. Collection method: clinical testing. Allele origin: germline. Observed: 1 variant allele.

Ambry Genetics
Classification: Uncertain significance for Inborn genetic diseases. Last evaluated: 2024-11-24. Review status: criteria provided, single submitter. Criteria: Ambry Variant Classification Scheme 2023. Collection method: clinical testing. Allele origin: germline.

Labcorp Genetics (formerly Invitae), Labcorp
Classification: Uncertain significance for Hereditary spastic paraplegia 11. Last evaluated: 2021-08-24. Review status: criteria provided, single submitter. Criteria: Invitae Variant Classification Sherloc (09022015). Collection method: clinical testing. Allele origin: germline.
Comment: This sequence change replaces glycine with alanine at codon 968 of the SPG11 protein (p.Gly968Ala). The glycine residue is highly conserved and there is a small physicochemical difference between glycine and alanine. This variant is present in population databases (rs769129678, ExAC 0.003%). This variant has not been reported in the literature in individuals affected with SPG11-related conditions. Algorithms developed to predict the effect of missense changes on protein structure and function are either unavailable or do not agree on the potential impact of this missense change (SIFT: "Tolerated"; PolyPhen-2: "Probably Damaging"; Align-GVGD: "Class C0"). In summary, the available evidence is currently insufficient to determine the role of this variant in disease. Therefore, it has been classified as a Variant of Uncertain Significance.

NM_025137.4(SPG11):c.2903G>C (p.Gly968Ala)

Gene: SPG11 (SPG11 vesicle trafficking associated, spatacsin; minus strand). Cytogenetic location: 15q21.1.
Variant type: single nucleotide variant.
Coding change: c.2903G>C on transcript NM_025137.4 (MANE Select); coding-DNA position 2903, G replaced by C.
Protein change: p.Gly968Ala; replaces glycine 968 with alanine.
Molecular consequence: missense variant.
Genome position (GRCh38, 1-based): chr15:44,615,498, C>G on the plus strand (G>C on the coding strand, the complement: SPG11 is on the minus strand). VCF-style: chr15-44615498-C-G. GRCh37 (hg19) VCF-style: chr15-44907696-C-G.
Other names: p.Gly968Ala; c.2903G>C, p.Gly968Ala (NM_001160227.2); short protein forms G968A.
Identifiers: ClinVar variation 534879 (VCV000534879.10), dbSNP rs769129678, ClinGen allele CA7535107.